The following is an entry in ClinVar:

NM_001242896.3(DEPDC5):c.2807T>C (p.Ile936Thr)

Gene: DEPDC5 (DEP domain containing 5, GATOR1 subcomplex subunit; plus strand). Cytogenetic location: 22q12.3.
Variant type: single nucleotide variant.
Coding change: c.2807T>C on transcript NM_001242896.3 (MANE Select); coding-DNA position 2807, T replaced by C.
Protein change: p.Ile936Thr; replaces isoleucine 936 with threonine.
Molecular consequence: missense variant. On other transcripts: non-coding transcript variant (5).
Genome position (GRCh38, 1-based): chr22:31,845,023, T>C. VCF-style: chr22-31845023-T-C. GRCh37 (hg19) VCF-style: chr22-32241009-T-C.
Other names: c.2780T>C, p.Ile927Thr (NM_001136029.4, NM_001369903.1, NM_014662.6); c.2573T>C, p.Ile858Thr (NM_001242897.2, NM_001363854.2, NM_001364319.2); c.2807T>C, p.Ile936Thr (NM_001363852.2, NM_001364318.2, NM_001364320.2); c.2723T>C, p.Ile908Thr (NM_001369901.1, NM_001369902.1); short protein forms I858T, I908T, I927T, I936T.
Identifiers: ClinVar variation 4802960 (VCV004802960.1).

ClinVar aggregate classification (germline): Uncertain significance (1 of 4 stars; one submission).

Conditions:
Familial focal epilepsy with variable foci (FPEVF). Identifiers: Orphanet 98820, MedGen C1858477, MONDO:0020310.

gnomAD v4.1: 3 of 1,614,194 alleles (0.00019%); highest among the groups gnomAD compares: Non-Finnish European, 0.00025%; no homozygotes.

Submission:

Labcorp Genetics (formerly Invitae), Labcorp
Classification: Uncertain significance for Familial focal epilepsy with variable foci. Last evaluated: 2025-09-11. Review status: criteria provided, single submitter. Criteria: Invitae Variant Classification Sherloc (09022015). Collection method: clinical testing. Allele origin: germline.
Comment: This sequence change replaces isoleucine, which is neutral and non-polar, with threonine, which is neutral and polar, at codon 936 of the DEPDC5 protein (p.Ile936Thr). This variant is not present in population databases (gnomAD no frequency). This variant has not been reported in the literature in individuals affected with DEPDC5-related conditions. Experimental studies and prediction algorithms are not available or were not evaluated, and the functional significance of this variant is currently unknown. In summary, the available evidence is currently insufficient to determine the role of this variant in disease. Therefore, it has been classified as a Variant of Uncertain Significance.